The following is an entry in ClinVar:

ClinVar aggregate classification (germline): Uncertain significance (1 of 4 stars; one submission).

Submission:

GeneDx
Classification: Uncertain significance. Last evaluated: 2023-08-04. Review status: criteria provided, single submitter. Criteria: GeneDx Variant Classification Process June 2021. Collection method: clinical testing. Allele origin: germline. Affected: yes.
Comment: Not observed at significant frequency in large population cohorts (gnomAD); In silico analysis supports that this missense variant has a deleterious effect on protein structure/function; Has not been previously published as pathogenic or benign to our knowledge

NM_001318852.2(MAPK8IP3):c.3604G>C (p.Gly1202Arg)

Gene: MAPK8IP3 (mitogen-activated protein kinase 8 interacting protein 3; plus strand). Cytogenetic location: 16p13.3.
Variant type: single nucleotide variant.
Coding change: c.3604G>C on transcript NM_001318852.2 (MANE Select); coding-DNA position 3604, G replaced by C.
Protein change: p.Gly1202Arg; replaces glycine 1202 with arginine.
Molecular consequence: missense variant.
Genome position (GRCh38, 1-based): chr16:1,768,240, G>C. VCF-style: chr16-1768240-G-C. GRCh37 (hg19) VCF-style: chr16-1818241-G-C.
Other names: c.3583G>C, p.Gly1195Arg (NM_001040439.2); c.3601G>C, p.Gly1201Arg (NM_015133.5); short protein forms G1195R, G1201R, G1202R.
Identifiers: ClinVar variation 3361720 (VCV003361720.1).